The following is an entry in ClinVar:

ClinVar aggregate classification (germline): Uncertain significance. Review status: criteria provided, multiple submitters, no conflicts (2 of 4 stars). 2 submissions from 2 submitters: Uncertain significance (2). Last evaluated 2026-02-16.

Conditions:
Hereditary cancer-predisposing syndrome. Also called: Tumor predisposition; Hereditary neoplastic syndrome; Neoplastic Syndromes, Hereditary; Hereditary Cancer Syndrome. Identifiers: Orphanet 140162, MedGen C0027672, MeSH D009386, MONDO:0015356.
Pheochromocytoma/paraganglioma syndrome 5. Also called: Paragangliomas 5; SDHA-Related Hereditary Paraganglioma-Pheochromocytoma Syndrome. Identifiers: Orphanet 29072, MedGen C3279992, MONDO:0013602, OMIM 614165.
Mitochondrial complex II deficiency, nuclear type 1. Also called: SUCCINATE CoQ REDUCTASE DEFICIENCY. Identifiers: Orphanet 3208, MedGen C5700310, MONDO:0100294, OMIM 252011.

Allele frequency attached by ClinVar (database versions not stated): ExAC 0.00002.

Submissions (2):

Ambry Genetics
Classification: Uncertain significance for Hereditary cancer-predisposing syndrome. Last evaluated: 2026-02-16. Review status: criteria provided, single submitter. Criteria: Ambry Variant Classification Scheme 2023. Collection method: clinical testing. Allele origin: germline.
Comment: The p.R9L variant (also known as c.26G>T), located in coding exon 1 of the SDHA gene, results from a G to T substitution at nucleotide position 26. The arginine at codon 9 is replaced by leucine, an amino acid with dissimilar properties. This amino acid position is well conserved in available vertebrate species. In addition, this alteration is predicted to be tolerated by in silico analysis. Based on the available evidence, the clinical significance of this variant remains unclear.

Labcorp Genetics (formerly Invitae), Labcorp
Classification: Uncertain significance for Pheochromocytoma/paraganglioma syndrome 5; Mitochondrial complex II deficiency, nuclear type 1. Last evaluated: 2025-11-04. Review status: criteria provided, single submitter. Criteria: Invitae Variant Classification Sherloc (09022015). Collection method: clinical testing. Allele origin: germline.
Comment: This sequence change replaces arginine, which is basic and polar, with leucine, which is neutral and non-polar, at codon 9 of the SDHA protein (p.Arg9Leu). The frequency data for this variant in the population databases is considered unreliable, as metrics indicate poor data quality at this position in the gnomAD database. This variant has not been reported in the literature in individuals affected with SDHA-related conditions. ClinVar contains an entry for this variant (Variation ID: 839550). Invitae Evidence Modeling of protein sequence and biophysical properties (such as structural, functional, and spatial information, amino acid conservation, physicochemical variation, residue mobility, and thermodynamic stability) indicates that this missense variant is not expected to disrupt SDHA protein function with a negative predictive value of 95%. In summary, the available evidence is currently insufficient to determine the role of this variant in disease. Therefore, it has been classified as a Variant of Uncertain Significance.

NM_004168.4(SDHA):c.26G>T (p.Arg9Leu)

Gene: SDHA (succinate dehydrogenase complex flavoprotein subunit A; plus strand). Cytogenetic location: 5p15.33.
Variant type: single nucleotide variant.
Coding change: c.26G>T on transcript NM_004168.4 (MANE Select); coding-DNA position 26, G replaced by T.
Protein change: p.Arg9Leu; replaces arginine 9 with leucine.
Molecular consequence: missense variant.
Genome position (GRCh38, 1-based): chr5:218,381, G>T. VCF-style: chr5-218381-G-T. GRCh37 (hg19) VCF-style: chr5-218496-G-T.
Other names: c.26G>T, p.Arg9Leu (NM_001294332.2, NM_001330758.2); c.26G>T (NM_004168.2); short protein forms R9L.
Identifiers: ClinVar variation 839550 (VCV000839550.11), dbSNP rs761508577, ClinGen allele CA3172689.
Genomic context (GRCh38, chr5:218,381, plus strand): 5'-GGGACTGGCGGGACTGCGCGGCGGCAACAGCAGACATGTCGGGGGTCCGGGGCCTGTCGC[G>T]GCTGCTGAGCGCTCGGCGCCTGGCGCTGGCCAAGGCGGTGAGTCCGTGCCGCGGACCGGG-3'
Protein context (NP_004159.2, residues 1-19): MSGVRGLS[Arg9Leu]LLSARRLALA